The following is an entry in ClinVar:

ClinVar aggregate classification (germline): Uncertain significance (1 of 4 stars; one submission).

Submission:

Labcorp Genetics (formerly Invitae), Labcorp
Classification: Uncertain significance. Last evaluated: 2024-01-22. Review status: criteria provided, single submitter. Criteria: Invitae Variant Classification Sherloc (09022015). Collection method: clinical testing. Allele origin: germline.
Comment: This sequence change creates a premature translational stop signal (p.Ser2385Leufs*15) in the IGSF10 gene. While this is not anticipated to result in nonsense mediated decay, it is expected to disrupt the last 239 amino acid(s) of the IGSF10 protein. This variant is not present in population databases (gnomAD no frequency). This variant has not been reported in the literature in individuals affected with IGSF10-related conditions. Experimental studies and prediction algorithms are not available or were not evaluated, and the functional significance of this variant is currently unknown. In summary, the available evidence is currently insufficient to determine the role of this variant in disease. Therefore, it has been classified as a Variant of Uncertain Significance.

NM_178822.5(IGSF10):c.7152_7153del (p.Ser2385fs)

Gene: IGSF10 (immunoglobulin superfamily member 10; minus strand). Cytogenetic location: 3q25.1.
Variant type: Deletion.
Coding change: c.7152_7153del on transcript NM_178822.5 (MANE Select); coding-DNA positions 7152 to 7153, 2 bases deleted (AA; older notation c.7152_7153delAA).
Protein change: p.Ser2385fs; shifts the reading frame from serine 2385.
Molecular consequence: frameshift variant.
Genome position (GRCh38, 1-based): chr3:151,437,408-151,437,409, TT deleted on the plus strand (AA on the coding strand, the reverse complement: IGSF10 is on the minus strand); deleting any 2 consecutive bases within chr3:151,437,408-151,437,410 gives the same sequence; the c. name uses the placement nearest the transcript's 3' end. VCF-style (leftmost placement, unchanged base first): chr3-151437407-CTT-C. GRCh37 (hg19) VCF-style: chr3-151155195-CTT-C.
Other names: c.1089_1090del, p.Ser364fs (NM_001178145.3, NM_001178146.3); c.7152_7153del, p.Ser2385fs (NM_001385060.1, NM_001385061.1, NM_001385062.1 and 1 more transcripts); short protein forms S364fs, S2385fs.
Identifiers: ClinVar variation 2981566 (VCV002981566.3), dbSNP rs1720430379, ClinGen allele CA1411119638.
Genomic context (GRCh38, chr3:151,437,407, plus strand): 5'-TCCTCCCGAGTTGTTTTAGAAATGATAAAAGAACCATTGCTTGCTATCAGATACTGATAA[CTT>C]TGTGGTCCATTGGAAAATCGTGTGCCATTTGGTAAAATCCAGATTATTTCAGGTGGTGGG-3'